The following is an entry in ClinVar:

ClinVar aggregate classification (germline): Pathogenic (1 of 4 stars; one submission).

Conditions:
Neurofibromatosis, type 1 (NF1). Also called: VON RECKLINGHAUSEN DISEASE; Peripheral type neurofibromatosis; NEUROFIBROMATOSIS, TYPE I, SOMATIC; Neurofibromatosis, type I. Identifiers: Orphanet 636, MedGen C0027831, MONDO:0018975, OMIM 162200. Disease mechanism: loss of function.

Submission:

Labcorp Genetics (formerly Invitae), Labcorp
Classification: Pathogenic for Neurofibromatosis, type 1. Last evaluated: 2025-12-17. Review status: criteria provided, single submitter. Criteria: Invitae Variant Classification Sherloc (09022015). Collection method: clinical testing. Allele origin: germline.
Comment: This sequence change creates a premature translational stop signal (p.Pro866Thrfs*7) in the NF1 gene. It is expected to result in an absent or disrupted protein product. Loss-of-function variants in NF1 are known to be pathogenic (PMID: 10712197, 23913538). This variant is not present in population databases (gnomAD no frequency). This variant has not been reported in the literature in individuals affected with NF1-related conditions. For these reasons, this variant has been classified as Pathogenic.

Literature cited by the submitters: PubMed 10712197; PubMed 23913538.

NM_001042492.3(NF1):c.2594dup (p.Pro866fs)

Gene: NF1 (neurofibromin 1; plus strand). Cytogenetic location: 17q11.2.
Variant type: Duplication.
Coding change: c.2594dup on transcript NM_001042492.3 (MANE Select); coding-DNA position 2594, one base duplicated (C; older notation c.2594dupC).
Protein change: p.Pro866fs; shifts the reading frame from proline 866.
Molecular consequence: frameshift variant.
Genome position (GRCh38, 1-based): chr17:31,229,209, C duplicated; the last of 3 consecutive C bases (chr17:31,229,207-31,229,209); duplicating any one gives the same sequence. VCF-style (leftmost placement, unchanged base first): chr17-31229206-G-GC. GRCh37 (hg19) VCF-style: chr17-29556224-G-GC.
Other names: c.2594dup, p.Pro866fs (NM_000267.4); short protein forms P866fs.
Identifiers: ClinVar variation 4733481 (VCV004733481.1).